The following is an entry in ClinVar:

NM_080680.3(COL11A2):c.3194A>G (p.Gln1065Arg)

Gene: COL11A2 (collagen type XI alpha 2 chain; minus strand). Cytogenetic location: 6p21.32.
Variant type: single nucleotide variant.
Coding change: c.3194A>G on transcript NM_080680.3 (MANE Select); coding-DNA position 3194, A replaced by G.
Protein change: p.Gln1065Arg; replaces glutamine 1065 with arginine.
Molecular consequence: missense variant.
Genome position (GRCh38, 1-based): chr6:33,171,531, T>C on the plus strand (A>G on the coding strand, the complement: COL11A2 is on the minus strand). VCF-style: chr6-33171531-T-C. GRCh37 (hg19) VCF-style: chr6-33139308-T-C.
Other names: c.2873A>G, p.Gln958Arg (NM_080679.3); c.2936A>G, p.Gln979Arg (NM_080681.3); short protein forms Q958R, Q1065R, Q979R.
Identifiers: ClinVar variation 1497225 (VCV001497225.6), dbSNP rs1405415074, ClinGen allele CA363636117.

ClinVar aggregate classification (germline): Uncertain significance (1 of 4 stars; one submission).

Allele frequency attached by ClinVar (database versions not stated): TOPMed below 0.00001; gnomAD exomes below 0.00001.
gnomAD v4.1: 3 of 1,614,056 alleles (0.00019%); highest among the groups gnomAD compares: Non-Finnish European, 0.00025%; no homozygotes.

Submission:

Labcorp Genetics (formerly Invitae), Labcorp
Classification: Uncertain significance. Last evaluated: 2025-11-08. Review status: criteria provided, single submitter. Criteria: Invitae Variant Classification Sherloc (09022015). Collection method: clinical testing. Allele origin: germline.
Comment: This sequence change replaces glutamine, which is neutral and polar, with arginine, which is basic and polar, at codon 1065 of the COL11A2 protein (p.Gln1065Arg). This variant is not present in population databases (gnomAD no frequency). This variant has not been reported in the literature in individuals affected with COL11A2-related conditions. ClinVar contains an entry for this variant (Variation ID: 1497225). Invitae Evidence Modeling of protein sequence and biophysical properties (such as structural, functional, and spatial information, amino acid conservation, physicochemical variation, residue mobility, and thermodynamic stability) indicates that this missense variant is not expected to disrupt COL11A2 protein function with a negative predictive value of 95%. In summary, the available evidence is currently insufficient to determine the role of this variant in disease. Therefore, it has been classified as a Variant of Uncertain Significance.